The following is an entry in ClinVar:

ClinVar aggregate classification (germline): Pathogenic (1 of 4 stars; one submission).

Conditions:
Hypertrophic cardiomyopathy. Also called: HYPERTROPHIC MYOCARDIOPATHY. Identifiers: Orphanet 217569, MedGen C0007194, MeSH D002312, MONDO:0005045, HP:0001639.

Submission:

Labcorp Genetics (formerly Invitae), Labcorp
Classification: Pathogenic for Hypertrophic cardiomyopathy. Last evaluated: 2024-05-22. Review status: criteria provided, single submitter. Criteria: Invitae Variant Classification Sherloc (09022015). Collection method: clinical testing. Allele origin: germline.
Comment: This sequence change creates a premature translational stop signal (p.Ser887Phefs*164) in the MYBPC3 gene. It is expected to result in an absent or disrupted protein product. Loss-of-function variants in MYBPC3 are known to be pathogenic (PMID: 19574547). This variant is not present in population databases (gnomAD no frequency). This variant has not been reported in the literature in individuals affected with MYBPC3-related conditions. For these reasons, this variant has been classified as Pathogenic.

Literature cited by the submitters: PubMed 19574547.

NM_000256.3(MYBPC3):c.2659dup (p.Ser887fs)

Gene: MYBPC3 (myosin binding protein C3; minus strand). Cytogenetic location: 11p11.2.
Variant type: Duplication.
Coding change: c.2659dup on transcript NM_000256.3 (MANE Select); coding-DNA position 2659, one base duplicated (T; older notation c.2659dupT).
Protein change: p.Ser887fs; shifts the reading frame from serine 887.
Molecular consequence: frameshift variant.
Genome position (GRCh38, 1-based): chr11:47,335,955, A duplicated on the plus strand (T on the coding strand, the reverse complement: MYBPC3 is on the minus strand). VCF-style (leftmost placement, unchanged base first): chr11-47335954-G-GA. GRCh37 (hg19) VCF-style: chr11-47357505-G-GA.
Other names: short protein forms S887fs.
Identifiers: ClinVar variation 3654254 (VCV003654254.2).
Genomic context (GRCh38, chr11:47,335,954, plus strand): 5'-TCCACGCTGTAGCCATCCAGGCCTCCTGCTCCCACGCGCTCTGGGGGCCGCCACTTGAGG[G>GA]AGACCGTGGTGTCAGAGACGTCCTCTACTGCCAGGTGGGTGGGTTCGCTGGGGGGACCTG-3'